The following is an entry in ClinVar:

NM_001148.6(ANK2):c.7059A>G (p.Gln2353=)

Genes: ANK2 (ankyrin 2; plus strand), LOC126807137 (CDK7 strongly-dependent group 2 enhancer GRCh37_chr4:114276560-114277759; plus strand). Cytogenetic location: 4q26.
Variant type: single nucleotide variant.
Coding change: c.7059A>G on transcript NM_001148.6 (MANE Select); coding-DNA position 7059, A replaced by G.
Protein change: p.Gln2353=; no amino-acid change (glutamine 2353 retained).
Molecular consequence: synonymous variant. On other transcripts: intron variant (68).
Genome position (GRCh38, 1-based): chr4:113,355,677, A>G. VCF-style: chr4-113355677-A-G. GRCh37 (hg19) VCF-style: chr4-114276833-A-G.
Other names: c.6825A>G, p.Gln2275= (NM_001386142.1); c.3459A>G, p.Gln1153= (NM_001386166.1); c.7200A>G, p.Gln2400= (NM_001386174.1); c.7176A>G, p.Gln2392= (NM_001386175.1); c.4412-5146A>G (NM_001386186.2, NM_001386148.2); c.4214-5146A>G (NM_001354269.3); c.4292-5146A>G (NM_001386187.2); c.4253-5146A>G (NM_001386147.1); and 36 more.
Identifiers: ClinVar variation 413956 (VCV000413956.36), dbSNP rs145782226, ClinGen allele CA3051520.

ClinVar aggregate classification (germline): Benign/Likely benign. Review status: criteria provided, multiple submitters, no conflicts (2 of 4 stars). 9 submissions from 9 submitters: Benign (4); Likely benign (5). Last evaluated 2025-12-09.

Conditions:
Cardiovascular phenotype. Identifiers: MedGen CN230736.
Long QT syndrome (LQTS). Identifiers: MedGen C0023976, MeSH D008133, MONDO:0002442. Disease mechanism: loss of function. Inheritance: Various modes of inheritance.
Cardiac arrhythmia, ankyrin-B-related. Also called: ANKYRIN-B SYNDROME. Identifiers: Orphanet 101016, Orphanet 768, MedGen C1970119, MONDO:0010958, OMIM 600919.

Allele frequency attached by ClinVar (database versions not stated): gnomAD exomes 0.00008 and 0.00016; ExAC 0.00018; 1000 Genomes Project 30x 0.00078; 1000 Genomes Project 0.00080; ESP Exome Variant Server 0.00085; TOPMed 0.00110; gnomAD 0.00111 and 0.00124.
gnomAD v4.1: 298 of 1,614,154 alleles (0.018%); highest among the groups gnomAD compares: African/African-American, 0.37%; no homozygotes.

Submissions (9):

Labcorp Genetics (formerly Invitae), Labcorp
Classification: Benign for Long QT syndrome. Last evaluated: 2025-12-09. Review status: criteria provided, single submitter. Criteria: Invitae Variant Classification Sherloc (09022015). Collection method: clinical testing. Allele origin: germline.

CeGaT Center for Human Genetics Tuebingen
Classification: Likely benign. Last evaluated: 2025-08-01. Review status: criteria provided, single submitter. Criteria: CeGaT Center For Human Genetics Tuebingen Variant Classification Criteria Version 2. Collection method: clinical testing. Allele origin: germline. Affected: yes. Observed: 1 variant allele.
Comment: ANK2: BP4, BP7

Molecular Diagnostic Laboratory for Inherited Cardiovascular Disease, Montreal Heart Institute
Classification: Likely benign. Last evaluated: 2025-04-09. Review status: criteria provided, single submitter. Criteria: ACMG Guidelines, 2015. Collection method: clinical testing. Allele origin: germline. Affected: no.
Comment: BS1;BP6;BP7

Blueprint Genetics
Classification: Likely benign. Last evaluated: 2024-11-26. Review status: criteria provided, single submitter. Criteria: ACMG Guidelines, 2015. Collection method: clinical testing. Allele origin: germline.

Women's Health and Genetics/Laboratory Corporation of America, LabCorp
Classification: Benign. Last evaluated: 2024-11-04. Review status: criteria provided, single submitter. Criteria: LabCorp Variant Classification Summary - May 2015. Collection method: clinical testing. Allele origin: germline.

Genome-Nilou Lab
Classification: Benign for Cardiac arrhythmia, ankyrin-B-related. Last evaluated: 2021-12-05. Review status: criteria provided, single submitter. Criteria: ACMG Guidelines, 2015. Collection method: clinical testing. Allele origin: germline. Affected: no.

ARUP Laboratories, Molecular Genetics and Genomics, ARUP Laboratories
Classification: Benign. Last evaluated: 2021-02-04. Review status: criteria provided, single submitter. Criteria: ARUP Molecular Germline Variant Investigation Process 2021. Collection method: clinical testing. Allele origin: germline.

GeneDx
Classification: Likely benign. Last evaluated: 2019-12-30. Review status: criteria provided, single submitter. Criteria: GeneDx Variant Classification Process June 2021. Collection method: clinical testing. Allele origin: germline. Affected: yes.

Ambry Genetics
Classification: Likely benign for Cardiovascular phenotype. Last evaluated: 2017-03-27. Review status: criteria provided, single submitter. Criteria: Ambry Variant Classification Scheme 2023. Collection method: clinical testing. Allele origin: germline.